The following is an entry in ClinVar:

ClinVar aggregate classification (germline): Pathogenic/Likely pathogenic. Review status: criteria provided, multiple submitters, no conflicts (2 of 4 stars). 2 submissions from 2 submitters: Pathogenic (1); Likely pathogenic (1). Last evaluated 2023-08-02.

Conditions:
ADGRV1-related disorder. Also called: ADGRV1-related condition; ADGRV1-related disorders.

Submissions (2):

Labcorp Genetics (formerly Invitae), Labcorp
Classification: Pathogenic. Last evaluated: 2023-08-02. Review status: criteria provided, single submitter. Criteria: Invitae Variant Classification Sherloc (09022015). Collection method: clinical testing. Allele origin: germline.
Comment: For these reasons, this variant has been classified as Pathogenic. This variant has not been reported in the literature in individuals affected with ADGRV1-related conditions. This variant is not present in population databases (gnomAD no frequency). This sequence change creates a premature translational stop signal (p.Ser2674Trpfs*19) in the ADGRV1 gene. It is expected to result in an absent or disrupted protein product. Loss-of-function variants in ADGRV1 are known to be pathogenic (PMID: 19357117, 22135276, 22147658, 26226137, 30718709, 31047384, 32467589).

Blueprint Genetics
Classification: Likely pathogenic for ADGRV1-related disorders. Last evaluated: 2020-07-21. Review status: criteria provided, single submitter. Criteria: ACMG Guidelines, 2015. Collection method: clinical testing. Allele origin: germline. Affected: yes. Observed: 2 variant alleles.

Literature cited by the submitters: PubMed 19357117 (cited by Labcorp Genetics (formerly Invitae), Labcorp); PubMed 22135276 (cited by Labcorp Genetics (formerly Invitae), Labcorp); PubMed 22147658 (cited by Labcorp Genetics (formerly Invitae), Labcorp); PubMed 26226137 (cited by Labcorp Genetics (formerly Invitae), Labcorp); PubMed 30718709 (cited by Labcorp Genetics (formerly Invitae), Labcorp); PubMed 31047384 (cited by Labcorp Genetics (formerly Invitae), Labcorp); PubMed 32467589 (cited by Labcorp Genetics (formerly Invitae), Labcorp).

NM_032119.4(ADGRV1):c.8020_8023del (p.Ser2674fs)

Gene: ADGRV1 (adhesion G protein-coupled receptor V1; plus strand). Cytogenetic location: 5q14.3.
Variant type: Microsatellite.
Coding change: c.8020_8023del on transcript NM_032119.4 (MANE Select); coding-DNA positions 8020 to 8023, 4 bases deleted (AGTT; older notation c.8020_8023delAGTT).
Protein change: p.Ser2674fs; shifts the reading frame from serine 2674.
Molecular consequence: frameshift variant. On other transcripts: non-coding transcript variant (1).
Genome position (GRCh38, 1-based): chr5:90,697,011-90,697,014, AGTT deleted; deleting any 4 consecutive bases within chr5:90,697,006-90,697,014 gives the same sequence; the c. name uses the placement nearest the transcript's 3' end. VCF-style (leftmost placement, unchanged base first): chr5-90697005-ATAGT-A. GRCh37 (hg19) VCF-style: chr5-89992822-ATAGT-A.
Other names: short protein forms S2674fs.
Identifiers: ClinVar variation 2860592 (VCV002860592.4), dbSNP rs2530983823, ClinGen allele CA2739274837.